The following is an entry in ClinVar:

ClinVar aggregate classification (germline): Uncertain significance (1 of 4 stars; one submission).

Submission:

GeneDx
Classification: Uncertain significance. Last evaluated: 2026-03-31. Review status: criteria provided, single submitter. Criteria: GeneDx Variant Classification Process June 2021. Collection method: clinical testing. Allele origin: germline.
Comment: Not observed at significant frequency in large population cohorts (gnomAD); In silico analysis supports that this missense variant has a deleterious effect on protein structure/function; Has not been previously published as pathogenic or benign to our knowledge

NM_080680.3(COL11A2):c.4823G>C (p.Gly1608Ala)

Gene: COL11A2 (collagen type XI alpha 2 chain; minus strand). Cytogenetic location: 6p21.32.
Variant type: single nucleotide variant.
Coding change: c.4823G>C on transcript NM_080680.3 (MANE Select); coding-DNA position 4823, G replaced by C.
Protein change: p.Gly1608Ala; replaces glycine 1608 with alanine.
Molecular consequence: missense variant.
Genome position (GRCh38, 1-based): chr6:33,164,892, C>G on the plus strand (G>C on the coding strand, the complement: COL11A2 is on the minus strand). VCF-style: chr6-33164892-C-G. GRCh37 (hg19) VCF-style: chr6-33132669-C-G.
Other names: c.4643G>C, p.Gly1548Ala (NM_001424108.1); c.3977G>C, p.Gly1326Ala (NM_001424109.1); c.3797G>C, p.Gly1266Ala (NM_001424110.1, NM_001424111.1); c.2777G>C, p.Gly926Ala (NM_001424112.1); c.4502G>C, p.Gly1501Ala (NM_080679.3); c.4565G>C, p.Gly1522Ala (NM_080681.3); short protein forms G1266A, G1326A, G1501A, G1522A, G1548A, G1608A, G926A.
Identifiers: ClinVar variation 5017621 (VCV005017621.1).